The following is an entry in ClinVar:

ClinVar aggregate classification (germline): Pathogenic (1 of 4 stars; one submission).

Conditions:
Inborn genetic diseases. Identifiers: MedGen C0950123, MeSH D030342.

Submission:

Ambry Genetics
Classification: Pathogenic for Inborn genetic diseases. Last evaluated: 2025-02-11. Review status: criteria provided, single submitter. Criteria: Ambry Variant Classification Scheme 2023. Collection method: clinical testing. Allele origin: germline.
Comment: The c.2227_2228dupAG (p.P744Gfs*41) alteration, located in exon 19 (coding exon 19) of the SHANK3 gene, consists of a duplication of AG at position 2227, causing a translational frameshift with a predicted alternate stop codon after 41 amino acids. This alteration is expected to result in loss of function by premature protein truncation or nonsense-mediated mRNA decay. This variant was not reported in population-based cohorts in the Genome Aggregation Database (gnomAD). Based on the available evidence, this alteration is classified as pathogenic.

NM_001372044.2(SHANK3):c.2452_2453dup (p.Pro819fs)

Gene: SHANK3 (SH3 and multiple ankyrin repeat domains 3; plus strand). Cytogenetic location: 22q13.33.
Variant type: Microsatellite.
Coding change: c.2452_2453dup on transcript NM_001372044.2 (MANE Select); coding-DNA positions 2452 to 2453, 2 bases duplicated (AG; older notation c.2452_2453dupAG).
Protein change: p.Pro819fs; shifts the reading frame from proline 819.
Molecular consequence: frameshift variant.
Genome position (GRCh38, 1-based): chr22:50,715,009-50,715,010, AG duplicated; duplicating any 2 consecutive bases within chr22:50,715,007-50,715,010 gives the same sequence; the c. name uses the placement nearest the transcript's 3' end. VCF-style (leftmost placement, unchanged base first): chr22-50715006-C-CAG. GRCh37 (hg19) VCF-style: chr22-51153434-C-CAG.
Other names: c.2227_2228dupAG (NM_033517.1); short protein forms P819fs.
Identifiers: ClinVar variation 3795538 (VCV003795538.1).
Genomic context (GRCh38, chr22:50,715,006, plus strand): 5'-GCAGAGCCAACGCTGCGGCCAGACATCGCAGACGCAGACTCCAGAGCCGCCACCGTCAAA[C>CAG]AGAGGCCCACCAGTCGGAGGATCACACCCGCCGAGATTAGCGTAAGGGCCACGGGCGGCT-3'